The following is an entry in ClinVar:

ClinVar aggregate classification (germline): Uncertain significance. Review status: criteria provided, multiple submitters, no conflicts (2 of 4 stars). 2 submissions from 2 submitters: Uncertain significance (2). Last evaluated 2025-02-01.

Conditions:
Familial temporal lobe epilepsy 7. Identifiers: Orphanet 101046, MedGen C4225327, MONDO:0014639, OMIM 616436.
Norman-Roberts syndrome (LIS2). Also called: Lissencephaly 2 (Norman-Roberts type). Identifiers: Orphanet 89844, MedGen C0796089, MONDO:0009760, OMIM 257320.

Allele frequency attached by ClinVar (database versions not stated): TOPMed below 0.00001; gnomAD 0.00001.
gnomAD v4.1: 3 of 1,613,596 alleles (0.00019%); highest among the groups gnomAD compares: African/African-American, 0.004%; no homozygotes.

Submissions (2):

CeGaT Center for Human Genetics Tuebingen
Classification: Uncertain significance. Last evaluated: 2025-02-01. Review status: criteria provided, single submitter. Criteria: CeGaT Center For Human Genetics Tuebingen Variant Classification Criteria Version 2. Collection method: clinical testing. Allele origin: germline. Affected: yes. Observed: 1 variant allele.
Comment: RELN: PM2:Supporting, BP4

Labcorp Genetics (formerly Invitae), Labcorp
Classification: Uncertain significance for Familial temporal lobe epilepsy 7; Norman-Roberts syndrome. Last evaluated: 2022-09-07. Review status: criteria provided, single submitter. Criteria: Invitae Variant Classification Sherloc (09022015). Collection method: clinical testing. Allele origin: germline.
Comment: ClinVar contains an entry for this variant (Variation ID: 1381510). This sequence change replaces alanine, which is neutral and non-polar, with serine, which is neutral and polar, at codon 909 of the RELN protein (p.Ala909Ser). This variant is not present in population databases (gnomAD no frequency). This variant has not been reported in the literature in individuals affected with RELN-related conditions. Algorithms developed to predict the effect of missense changes on protein structure and function (SIFT, PolyPhen-2, Align-GVGD) all suggest that this variant is likely to be tolerated. In summary, the available evidence is currently insufficient to determine the role of this variant in disease. Therefore, it has been classified as a Variant of Uncertain Significance.

NM_005045.4(RELN):c.2725G>T (p.Ala909Ser)

Gene: RELN (reelin; minus strand). Cytogenetic location: 7q22.1.
Variant type: single nucleotide variant.
Coding change: c.2725G>T on transcript NM_005045.4 (MANE Select); coding-DNA position 2725, G replaced by T.
Protein change: p.Ala909Ser; replaces alanine 909 with serine.
Molecular consequence: missense variant.
Genome position (GRCh38, 1-based): chr7:103,611,781, C>A on the plus strand (G>T on the coding strand, the complement: RELN is on the minus strand). VCF-style: chr7-103611781-C-A. GRCh37 (hg19) VCF-style: chr7-103252228-C-A.
Other names: c.2725G>T, p.Ala909Ser (NM_173054.3); short protein forms A909S.
Identifiers: ClinVar variation 1381510 (VCV001381510.21), dbSNP rs1167526294, ClinGen allele CA368754808.
Genomic context (GRCh38, chr7:103,611,781, plus strand): 5'-GAATCATATAGGATGCTCCTATCTGCATTGATTGTGTTTCCACATAGCGCATACTTGAGG[C>A]AAGTTTAGAATCTCCTGTAAAACTGAAAGAGACAGAGATGGAAATCAGAAAATTCTAAAC-3'
Protein context (NP_005036.2, residues 899-919): TLCFTGDSKL[Ala909Ser]SSMRYVETQS